The following is an entry in ClinVar:

NM_017841.4(SDHAF2):c.370+6G>T

Gene: SDHAF2 (succinate dehydrogenase complex assembly factor 2; plus strand). Cytogenetic location: 11q12.2.
Variant type: single nucleotide variant.
Coding change: c.370+6G>T on transcript NM_017841.4 (MANE Select); 6 bases into the intron after coding-DNA position 370, G replaced by T.
Molecular consequence: intron variant.
Genome position (GRCh38, 1-based): chr11:61,438,119, G>T. VCF-style: chr11-61438119-G-T. GRCh37 (hg19) VCF-style: chr11-61205591-G-T.
Identifiers: ClinVar variation 4735032 (VCV004735032.1).

ClinVar aggregate classification (germline): Uncertain significance (1 of 4 stars; one submission).

Conditions:
Hereditary pheochromocytoma and paraganglioma. Also called: Hereditary pheochromocytoma-paraganglioma; Hereditary Paraganglioma-Pheochromocytoma Syndromes; Hereditary paragangliomas and pheochromocytomas. Identifiers: Orphanet 29072, MedGen C4274332, MONDO:0017366.

Submission:

Labcorp Genetics (formerly Invitae), Labcorp
Classification: Uncertain significance for Hereditary pheochromocytoma and paraganglioma. Last evaluated: 2026-01-10. Review status: criteria provided, single submitter. Criteria: Invitae Variant Classification Sherloc (09022015). Collection method: clinical testing. Allele origin: germline.
Comment: This sequence change falls in intron 3 of the SDHAF2 gene. It does not directly change the encoded amino acid sequence of the SDHAF2 protein. It affects a nucleotide within the consensus splice site. This variant is not present in population databases (gnomAD no frequency). This variant has not been reported in the literature in individuals affected with SDHAF2-related conditions. Variants that disrupt the consensus splice site are a relatively common cause of aberrant splicing (PMID: 17576681, 9536098). Algorithms developed to predict the effect of sequence changes on RNA splicing suggest that this variant is not likely to affect RNA splicing. In summary, the available evidence is currently insufficient to determine the role of this variant in disease. Therefore, it has been classified as a Variant of Uncertain Significance.

Literature cited by the submitters: PubMed 17576681; PubMed 9536098.